The following is an entry in ClinVar:

NM_003126.4(SPTA1):c.1892C>T (p.Ala631Val)

Gene: SPTA1 (spectrin alpha, erythrocytic 1; minus strand). Cytogenetic location: 1q23.1.
Variant type: single nucleotide variant.
Coding change: c.1892C>T on transcript NM_003126.4 (MANE Select); coding-DNA position 1892, C replaced by T.
Protein change: p.Ala631Val; replaces alanine 631 with valine.
Molecular consequence: missense variant.
Genome position (GRCh38, 1-based): chr1:158,668,004, G>A on the plus strand (C>T on the coding strand, the complement: SPTA1 is on the minus strand). VCF-style: chr1-158668004-G-A. GRCh37 (hg19) VCF-style: chr1-158637794-G-A.
Other names: short protein forms A631V.
Identifiers: ClinVar variation 4710720 (VCV004710720.1).

ClinVar aggregate classification (germline): Uncertain significance (1 of 4 stars; one submission).

gnomAD v4.1: 1 of 1,612,342 alleles (0.000062%); highest among the groups gnomAD compares: Non-Finnish European, 0.000085%; no homozygotes.

Submission:

Labcorp Genetics (formerly Invitae), Labcorp
Classification: Uncertain significance. Last evaluated: 2025-10-09. Review status: criteria provided, single submitter. Criteria: Invitae Variant Classification Sherloc (09022015). Collection method: clinical testing. Allele origin: germline.
Comment: This sequence change replaces alanine, which is neutral and non-polar, with valine, which is neutral and non-polar, at codon 631 of the SPTA1 protein (p.Ala631Val). This variant is not present in population databases (gnomAD no frequency). This variant has not been reported in the literature in individuals affected with SPTA1-related conditions. Invitae Evidence Modeling of protein sequence and biophysical properties (such as structural, functional, and spatial information, amino acid conservation, physicochemical variation, residue mobility, and thermodynamic stability) indicates that this missense variant is not expected to disrupt SPTA1 protein function with a negative predictive value of 80%. In summary, the available evidence is currently insufficient to determine the role of this variant in disease. Therefore, it has been classified as a Variant of Uncertain Significance.